The following is an entry in ClinVar:

NM_024675.4(PALB2):c.355C>T (p.Gln119Ter)

Gene: PALB2 (partner and localizer of BRCA2; minus strand). Cytogenetic location: 16p12.2.
Variant type: single nucleotide variant.
Coding change: c.355C>T on transcript NM_024675.4 (MANE Select); coding-DNA position 355, C replaced by T.
Protein change: p.Gln119Ter; replaces glutamine 119 with a stop codon.
Molecular consequence: nonsense. On other transcripts: 5 prime UTR variant (8), intron variant (3).
Genome position (GRCh38, 1-based): chr16:23,636,191, G>A on the plus strand (C>T on the coding strand, the complement: PALB2 is on the minus strand). VCF-style: chr16-23636191-G-A. GRCh37 (hg19) VCF-style: chr16-23647512-G-A.
Other names: c.295C>T, p.Gln99Ter (NM_001407296.1); c.355C>T, p.Gln119Ter (NM_001407297.1, NM_001407298.1, NM_001407299.1 and 3 more transcripts); c.-531C>T (NM_001407304.1, NM_001407305.1, NM_001407306.1 and 5 more transcripts); c.48+4919C>T (NM_001407314.1); c.-105+4919C>T (NM_001407313.1, NM_001407312.1); short protein forms Q119*, Q99*.
Identifiers: ClinVar variation 4294293 (VCV004294293.1).

ClinVar aggregate classification (germline): Pathogenic (1 of 4 stars; one submission).

Conditions:
Familial cancer of breast. Also called: hereditary breast carcinoma; BREAST CANCER, FAMILIAL; Hereditary breast cancer. Identifiers: Orphanet 227535, MedGen C0346153, MONDO:0016419, OMIM 114480. Disease mechanism: loss of function.

Submission:

Myriad Genetics, Inc.
Classification: Pathogenic for Familial cancer of breast. Last evaluated: 2025-07-02. Review status: criteria provided, single submitter. Criteria: Myriad Autosomal Dominant, Autosomal Recessive and X-Linked Classification Criteria (2023). Collection method: clinical testing. Allele origin: unknown.
Comment: This variant is considered pathogenic. This variant creates a termination codon and is predicted to result in premature protein truncation.